The following is an entry in ClinVar:

NM_005251.3(FOXC2):c.254T>A (p.Ile85Asn)

Genes: FOXC2-AS1 (FOXC2 antisense RNA 1; minus strand), FOXC2 (forkhead box C2; plus strand). Cytogenetic location: 16q24.1.
Variant type: single nucleotide variant.
Coding change: c.254T>A on transcript NM_005251.3 (MANE Select); coding-DNA position 254, T replaced by A.
Protein change: p.Ile85Asn; replaces isoleucine 85 with asparagine.
Molecular consequence: missense variant.
Genome position (GRCh38, 1-based): chr16:86,567,589, T>A. VCF-style: chr16-86567589-T-A. GRCh37 (hg19) VCF-style: chr16-86601195-T-A.
Other names: short protein forms I85N.
Identifiers: ClinVar variation 4710283 (VCV004710283.1).
Genomic context (GRCh38, chr16:86,567,589, plus strand): 5'-CGGCGCCTAAGGACCTGGTGAAGCCGCCCTACAGCTACATCGCGCTCATCACCATGGCCA[T>A]CCAGAACGCGCCCGAGAAGAAGATCACCTTGAACGGCATCTACCAGTTCATCATGGACCG-3'
Protein context (NP_005242.1, residues 75-95): YSYIALITMA[Ile85Asn]QNAPEKKITL

ClinVar aggregate classification (germline): Uncertain significance (1 of 4 stars; one submission).

Submission:

Labcorp Genetics (formerly Invitae), Labcorp
Classification: Uncertain significance. Last evaluated: 2025-10-21. Review status: criteria provided, single submitter. Criteria: Invitae Variant Classification Sherloc (09022015). Collection method: clinical testing. Allele origin: germline.
Comment: This sequence change replaces isoleucine, which is neutral and non-polar, with asparagine, which is neutral and polar, at codon 85 of the FOXC2 protein (p.Ile85Asn). This variant is not present in population databases (gnomAD no frequency). This missense change has been observed in individuals with lymphedema-distichiasis syndrome (PMID: 19013876, 35716761; internal data). An algorithm developed to predict the effect of missense changes on protein structure and function (PolyPhen-2) suggests that this variant is likely to be disruptive. Experimental studies have shown that this missense change affects FOXC2 function (PMID: 35716761). In summary, the available evidence is currently insufficient to determine the role of this variant in disease. Therefore, it has been classified as a Variant of Uncertain Significance.

Literature cited by the submitters: PubMed 19013876; PubMed 35716761.